The following is an entry in ClinVar:

NM_000163.5(GHR):c.1486G>A (p.Ala496Thr)

Gene: GHR (growth hormone receptor; plus strand). Cytogenetic location: 5p12.
Variant type: single nucleotide variant.
Coding change: c.1486G>A on transcript NM_000163.5 (MANE Select); coding-DNA position 1486, G replaced by A.
Protein change: p.Ala496Thr; replaces alanine 496 with threonine.
Molecular consequence: missense variant. On other transcripts: 3 prime UTR variant (1).
Genome position (GRCh38, 1-based): chr5:42,718,993, G>A. VCF-style: chr5-42718993-G-A. GRCh37 (hg19) VCF-style: chr5-42719095-G-A.
Other names: c.1507G>A, p.Ala503Thr (NM_001242399.2); c.1486G>A, p.Ala496Thr (NM_001242400.2, NM_001242401.4, NM_001242402.2 and 4 more transcripts); c.1420G>A, p.Ala474Thr (NM_001242460.2); c.*528G>A (NM_001242462.1); short protein forms A503T, A474T, A496T.
Identifiers: ClinVar variation 1404814 (VCV001404814.5), dbSNP rs984431226, ClinGen allele CA117805172.

ClinVar aggregate classification (germline): Uncertain significance. Review status: criteria provided, multiple submitters, no conflicts (2 of 4 stars). 2 submissions from 2 submitters: Uncertain significance (2). Last evaluated 2025-12-14.

Conditions:
GHR-related disorder. Also called: GHR-related condition.

Allele frequency attached by ClinVar (database versions not stated): gnomAD 0.00009 and 0.00010; TOPMed 0.00025.
gnomAD v4.1: 23 of 1,609,852 alleles (0.0014%); highest among the groups gnomAD compares: Admixed American, 0.018%; no homozygotes.

Submissions (2):

Labcorp Genetics (formerly Invitae), Labcorp
Classification: Uncertain significance. Last evaluated: 2025-12-14. Review status: criteria provided, single submitter. Criteria: Invitae Variant Classification Sherloc (09022015). Collection method: clinical testing. Allele origin: germline.
Comment: This sequence change replaces alanine, which is neutral and non-polar, with threonine, which is neutral and polar, at codon 496 of the GHR protein (p.Ala496Thr). This variant is present in population databases (no rsID available, gnomAD no frequency). This missense change has been observed in individual(s) with autosomal dominant growth hormone insensitivity (PMID: 9255229). This variant is also known as A478T. ClinVar contains an entry for this variant (Variation ID: 1404814). Invitae Evidence Modeling of protein sequence and biophysical properties (such as structural, functional, and spatial information, amino acid conservation, physicochemical variation, residue mobility, and thermodynamic stability) indicates that this missense variant is not expected to disrupt GHR protein function with a negative predictive value of 95%. In summary, the available evidence is currently insufficient to determine the role of this variant in disease. Therefore, it has been classified as a Variant of Uncertain Significance.

PreventionGenetics, part of Exact Sciences
Classification: Uncertain significance for GHR-related condition. Last evaluated: 2023-10-06. Review status: criteria provided, single submitter. Criteria: ACMG Guidelines, 2015. Collection method: clinical testing. Allele origin: germline.
Comment: The GHR c.1486G>A variant is predicted to result in the amino acid substitution p.Ala496Thr. This variant, also referred to as p.Ala478Thr using legacy nomenclature, was reported in the heterozygous state in individuals with short stature (Patient 13 in Goddard et al. 1997. PubMed ID: 9255229; Patient 5 in Saenger. 1999. PubMed ID: 10102079). This variant is reported in 0.0028% of alleles in individuals of Latino descent in gnomAD and has been interpreted as uncertain in ClinVar. At this time, the clinical significance of this variant is uncertain due to the absence of conclusive functional and genetic evidence.

Literature cited by the submitters: PubMed 9255229 (cited by Labcorp Genetics (formerly Invitae), Labcorp).